The following is an entry in ClinVar:

ClinVar aggregate classification (germline): Uncertain significance (1 of 4 stars; one submission).

Conditions:
Maple syrup urine disease (MSUD). Identifiers: Orphanet 511, MedGen C0024776, MeSH D008375, MONDO:0009563. Disease mechanism: loss of function.

Allele frequency attached by ClinVar (database versions not stated): gnomAD exomes below 0.00001.
gnomAD v4.1: 1 of 1,610,698 alleles (0.000062%); highest among the groups gnomAD compares: Non-Finnish European, 0.000085%; no homozygotes.

Submission:

Labcorp Genetics (formerly Invitae), Labcorp
Classification: Uncertain significance for Maple syrup urine disease. Last evaluated: 2022-01-21. Review status: criteria provided, single submitter. Criteria: Invitae Variant Classification Sherloc (09022015). Collection method: clinical testing. Allele origin: germline.
Comment: This sequence change replaces proline, which is neutral and non-polar, with serine, which is neutral and polar, at codon 123 of the BCKDHB protein (p.Pro123Ser). This variant is not present in population databases (gnomAD no frequency). This variant has not been reported in the literature in individuals affected with BCKDHB-related conditions. Algorithms developed to predict the effect of missense changes on protein structure and function (SIFT, PolyPhen-2, Align-GVGD) all suggest that this variant is likely to be disruptive. In summary, the available evidence is currently insufficient to determine the role of this variant in disease. Therefore, it has been classified as a Variant of Uncertain Significance.

NM_183050.4(BCKDHB):c.367C>T (p.Pro123Ser)

Gene: BCKDHB (branched chain keto acid dehydrogenase E1 subunit beta; plus strand). Cytogenetic location: 6q14.1.
Variant type: single nucleotide variant.
Coding change: c.367C>T on transcript NM_183050.4 (MANE Select); coding-DNA position 367, C replaced by T.
Protein change: p.Pro123Ser; replaces proline 123 with serine.
Molecular consequence: missense variant. On other transcripts: non-coding transcript variant (1).
Genome position (GRCh38, 1-based): chr6:80,167,701, C>T. VCF-style: chr6-80167701-C-T. GRCh37 (hg19) VCF-style: chr6-80877418-C-T.
Other names: c.367C>T, p.Pro123Ser (NM_000056.5); c.157C>T, p.Pro53Ser (NM_001318975.1); short protein forms P123S, P53S.
Identifiers: ClinVar variation 1937187 (VCV001937187.2), dbSNP rs2127773357, ClinGen allele CA364660399.